The following is an entry in ClinVar:

ClinVar aggregate classification (germline): Uncertain significance (1 of 4 stars; one submission).

Submission:

GeneDx
Classification: Uncertain significance. Last evaluated: 2025-01-22. Review status: criteria provided, single submitter. Criteria: GeneDx Variant Classification Process June 2021. Collection method: clinical testing. Allele origin: germline. Affected: yes.
Comment: Not observed at significant frequency in large population cohorts (gnomAD); In silico analysis indicates that this missense variant does not alter protein structure/function; Has not been previously published as pathogenic or benign to our knowledge

NM_057175.5(NAA15):c.949A>G (p.Asn317Asp)

Gene: NAA15 (N-alpha-acetyltransferase 15, NatA auxiliary subunit; plus strand). Cytogenetic location: 4q31.1.
Variant type: single nucleotide variant.
Coding change: c.949A>G on transcript NM_057175.5 (MANE Select); coding-DNA position 949, A replaced by G.
Protein change: p.Asn317Asp; replaces asparagine 317 with aspartic acid.
Molecular consequence: missense variant.
Genome position (GRCh38, 1-based): chr4:139,351,546, A>G. VCF-style: chr4-139351546-A-G. GRCh37 (hg19) VCF-style: chr4-140272700-A-G.
Other names: c.949A>G, p.Asn317Asp (NM_001410842.1); short protein forms N317D.
Identifiers: ClinVar variation 4071796 (VCV004071796.1).
Genomic context (GRCh38, chr4:139,351,546, plus strand): 5'-AGGATTTTTCTCTTCCAAGGTGAGAAGTTTAAAGAATGTTTGGATAAGTTCCTAAGGATG[A>G]ATTTCAGCAAGGGTTGCCCACCAGTCTTCAATACTTTAAGATCATTATACAAAGACAAAG-3'
Protein context (NP_476516.1, residues 307-327): KECLDKFLRM[Asn317Asp]FSKGCPPVFN